The following is an entry in ClinVar:

ClinVar aggregate classification (germline): Uncertain significance (1 of 4 stars; one submission).

Conditions:
Autosomal dominant nocturnal frontal lobe epilepsy 5. Also called: Epilepsy, nocturnal frontal lobe, 5; CILIARY DYSKINESIA, PRIMARY, 28, WITHOUT SITUS INVERSUS; CILIARY DYSKINESIA, PRIMARY, 28, WITH SITUS INVERSUS; KCNT1-Related Epilepsy. Identifiers: Orphanet 98784, MedGen C3554306, MONDO:0014002, OMIM 615005.
Developmental and epileptic encephalopathy, 14 (DEE14). Also called: Early infantile epileptic encephalopathy 14. Identifiers: Orphanet 293181, MedGen C3554195, MONDO:0013989, OMIM 614959.

Allele frequency attached by ClinVar (database versions not stated): gnomAD exomes below 0.00001.
gnomAD v4.1: 3 of 1,614,050 alleles (0.00019%); highest among the groups gnomAD compares: South Asian, 0.0011%; no homozygotes.

Submission:

Labcorp Genetics (formerly Invitae), Labcorp
Classification: Uncertain significance for Autosomal dominant nocturnal frontal lobe epilepsy 5; Developmental and epileptic encephalopathy, 14. Last evaluated: 2023-05-03. Review status: criteria provided, single submitter. Criteria: Invitae Variant Classification Sherloc (09022015). Collection method: clinical testing. Allele origin: germline.
Comment: This sequence change replaces asparagine, which is neutral and polar, with serine, which is neutral and polar, at codon 812 of the KCNT1 protein (p.Asn812Ser). In summary, the available evidence is currently insufficient to determine the role of this variant in disease. Therefore, it has been classified as a Variant of Uncertain Significance. Advanced modeling of protein sequence and biophysical properties (such as structural, functional, and spatial information, amino acid conservation, physicochemical variation, residue mobility, and thermodynamic stability) performed at Invitae indicates that this missense variant is not expected to disrupt KCNT1 protein function. ClinVar contains an entry for this variant (Variation ID: 574798). This variant has not been reported in the literature in individuals affected with KCNT1-related conditions. This variant is not present in population databases (gnomAD no frequency).

NM_020822.3(KCNT1):c.2435A>G (p.Asn812Ser)

Gene: KCNT1 (potassium sodium-activated channel subfamily T member 1; plus strand). Cytogenetic location: 9q34.3.
Variant type: single nucleotide variant.
Coding change: c.2435A>G on transcript NM_020822.3 (MANE Select); coding-DNA position 2435, A replaced by G.
Protein change: p.Asn812Ser; replaces asparagine 812 with serine.
Molecular consequence: missense variant.
Genome position (GRCh38, 1-based): chr9:135,777,423, A>G. VCF-style: chr9-135777423-A-G. GRCh37 (hg19) VCF-style: chr9-138669269-A-G.
Other names: c.2300A>G, p.Asn767Ser (NM_001272003.2); short protein forms N812S, N767S.
Identifiers: ClinVar variation 574798 (VCV000574798.9), dbSNP rs1564380461, ClinGen allele CA375513338.